The following is an entry in ClinVar:

NC_000021.8:g.(?_47401755)_(47546465_?)dup

Genes: COL6A1 (collagen type VI alpha 1 chain; plus strand), COL6A2 (collagen type VI alpha 2 chain; plus strand), COL6A2-DT (COL6A2 divergent transcript; minus strand), LOC130066866 (ATAC-STARR-seq lymphoblastoid active region 18597; plus strand), LOC121853033 (Sharpr-MPRA regulatory region 12001; plus strand). Cytogenetic location: 21q22.3.
Variant type: Duplication.
Identifiers: ClinVar variation 649621 (VCV000649621.3).

ClinVar aggregate classification (germline): Uncertain significance (1 of 4 stars; one submission).

Conditions:
Bethlem myopathy 1A. Also called: Bethlem Muscular Dystrophy; Bethlem myopathy 1; MYOPATHY, BENIGN CONGENITAL, WITH CONTRACTURES. Identifiers: Orphanet 610, MedGen CN029274, MONDO:0024530, OMIM 158810.

Submission:

Labcorp Genetics (formerly Invitae), Labcorp
Classification: Uncertain significance for Bethlem myopathy 1. Last evaluated: 2019-02-19. Review status: criteria provided, single submitter. Criteria: Invitae Variant Classification Sherloc (09022015). Collection method: clinical testing. Allele origin: germline.
Comment: This variant results in a copy number gain of the genomic region encompassing the full coding sequence of the COL6A1 gene. The boundaries of this event are unknown as they extend beyond the assayed region for this gene and therefore may encompass additional genes. As the precise location of this event is unknown, it may be in tandem or it may be located elsewhere in the genome. This variant has not been reported in the literature in individuals with COL6A1-related conditions. Experimental studies are not available for this variant, and the functional significance of a copy number gain of this gene is currently unknown. In summary, the available evidence is currently insufficient to determine the role of this variant in disease. Therefore, it has been classified as a Variant of Uncertain Significance.